The following is an entry in ClinVar:

NM_003265.3(TLR3):c.1234C>T (p.Leu412Phe)

Gene: TLR3 (toll like receptor 3; plus strand). Cytogenetic location: 4q35.1.
Variant type: single nucleotide variant.
Coding change: c.1234C>T on transcript NM_003265.3 (MANE Select); coding-DNA position 1234, C replaced by T.
Protein change: p.Leu412Phe; replaces leucine 412 with phenylalanine.
Molecular consequence: missense variant.
Genome position (GRCh38, 1-based): chr4:186,082,920, C>T. VCF-style: chr4-186082920-C-T. GRCh37 (hg19) VCF-style: chr4-187004074-C-T.
Other names: short protein forms L412F.
Identifiers: ClinVar variation 41472 (VCV000041472.23), dbSNP rs3775291, ClinGen allele CA130857.

ClinVar aggregate classification (germline): Benign/Likely benign. Review status: criteria provided, multiple submitters, no conflicts (2 of 4 stars). 11 submissions from 11 submitters: Benign (5); Likely benign (3). 3 of the submissions do not count toward it. Last evaluated 2026-02-04.

Conditions:
TLR3-related disorder. Also called: TLR3-related condition.
Susceptibility to HIV infection. Also called: Human immunodeficiency virus type 1, susceptibility to; HIV-1, SUSCEPTIBILITY TO; HUMAN IMMUNODEFICIENCY VIRUS TYPE 1, RESISTANCE TO. Identifiers: MedGen C1836230, MONDO:0004951, OMIM 609423.
Immunodeficiency 83, susceptibility to viral infections. Identifiers: Orphanet 1930, MedGen C2751803, MONDO:0800187, OMIM 613002.
Encephalopathy, acute, infection-induced (herpes-specific), susceptibility to, 1. Also called: Herpes simplex encephalitis, susceptibility to, 1. Identifiers: Orphanet 1930, MedGen C2750180, MONDO:0024563, OMIM 610551.

Allele frequency attached by ClinVar (database versions not stated): ESP Exome Variant Server 0.21598; 1000 Genomes Project 30x 0.22517; TOPMed 0.22674; 1000 Genomes Project 0.23183.
gnomAD v4.1: 457,937 of 1,613,766 alleles (28%); highest among the groups gnomAD compares: Admixed American, 30%; 67,672 homozygotes.

Submissions (11):

Labcorp Genetics (formerly Invitae), Labcorp
Classification: Benign for Encephalopathy, acute, infection-induced (herpes-specific), susceptibility to, 1. Last evaluated: 2026-02-04. Review status: criteria provided, single submitter. Criteria: Invitae Variant Classification Sherloc (09022015). Collection method: clinical testing. Allele origin: germline.

Blueprint Genetics
Classification: Likely benign. Last evaluated: 2024-11-26. Review status: criteria provided, single submitter. Criteria: ACMG Guidelines, 2015. Collection method: clinical testing. Allele origin: germline.

Mayo Clinic Laboratories, Mayo Clinic
Classification: Benign. Last evaluated: 2023-07-21. Review status: criteria provided, single submitter. Criteria: ACMG Guidelines, 2015. Collection method: clinical testing. Allele origin: germline. Observed: 47 variant alleles.
Comment: BA1, BS2

Fulgent Genetics
Classification: Benign for Susceptibility to HIV infection; Immunodeficiency 83, susceptibility to viral infections. Last evaluated: 2021-08-13. Review status: criteria provided, single submitter. Criteria: ACMG Guidelines, 2015. Collection method: clinical testing. Allele origin: unknown.

GeneDx
Classification: Benign. Last evaluated: 2019-10-29. Review status: criteria provided, single submitter. Criteria: GeneDx Variant Classification Process June 2021. Collection method: clinical testing. Allele origin: germline. Affected: yes.
Comment: This variant is associated with the following publications: (PMID: 29290528, 24371259, 26298326, 31445170, 28046022, 23240626, 17434873, 18325643, 22549436, 18753640, 20413676, 20472559, 20855885, 21093032, 19016379, 21216866, 22174453, 22537752, 22504413, 21712495, 25304972, 22024499)

Genome Diagnostics Laboratory, University Medical Center Utrecht
Classification: Likely benign for Immunodeficiency 83, susceptibility to viral infections. Last evaluated: 2016-11-25. Review status: criteria provided, single submitter. Criteria: ACGS Guidelines, 2013. Collection method: clinical testing. Allele origin: germline. Affected: yes. Study: VKGL Data-share Consensus.

Laboratory for Molecular Medicine, Mass General Brigham Personalized Medicine
Classification: Benign. Last evaluated: 2016-03-28. Review status: criteria provided, single submitter. Criteria: LMM Criteria. Collection method: clinical testing. Allele origin: germline.
Comment: Variant identified in a genome or exome case(s) and assessed due to predicted null impact of the variant or pathogenic assertions in the literature or databases. Disclaimer: This variant has not undergone full assessment. The following are preliminary notes: MAF. Associated with susceptibility to infections, rheumatoid arthritis. Some functional evidence to show reduced IFN and TNF secretion in response to stimulation. This may be a risk allele, but unlikely to cause disease on its own

Breakthrough Genomics
Classification: Likely benign. Review status: criteria provided, single submitter. Criteria: ACMG Guidelines, 2015. Collection method: not provided. Allele origin: germline. Inheritance: Autosomal dominant inheritance. Affected: yes.

PreventionGenetics, part of Exact Sciences
Classification: Benign for TLR3-related condition. Last evaluated: 2024-01-28. Review status: no assertion criteria provided. Collection method: clinical testing. Allele origin: germline. Not counted in ClinVar's aggregate classification.
Comment: This variant is classified as benign based on ACMG/AMP sequence variant interpretation guidelines (Richards et al. 2015 PMID: 25741868, with internal and published modifications).

OMIM
Classification: protective for HUMAN IMMUNODEFICIENCY VIRUS TYPE 1, RESISTANCE TO. Last evaluated: 2018-08-08. Review status: no assertion criteria provided. Collection method: literature only. Allele origin: germline. Not counted in ClinVar's aggregate classification.

Diagnostic Laboratory, Department of Genetics, University Medical Center Groningen
Classification: Benign for Immunodeficiency 83, susceptibility to viral infections. Review status: no assertion criteria provided. Collection method: clinical testing. Allele origin: germline. Affected: yes. Study: VKGL Data-share Consensus. Not counted in ClinVar's aggregate classification.

Literature cited by the submitters: PubMed 22174453 (cited by OMIM); PubMed 21911422 (cited by OMIM).